The following is an entry in ClinVar:

NM_000535.7(PMS2):c.1587G>T (p.Ser529=)

Gene: PMS2 (PMS1 homolog 2, mismatch repair system component; minus strand). Cytogenetic location: 7p22.1.
Variant type: single nucleotide variant.
Coding change: c.1587G>T on transcript NM_000535.7 (MANE Select); coding-DNA position 1587, G replaced by T.
Protein change: p.Ser529=; no amino-acid change (serine 529 retained).
Molecular consequence: synonymous variant. On other transcripts: non-coding transcript variant (1).
Genome position (GRCh38, 1-based): chr7:5,987,178, C>A on the plus strand (G>T on the coding strand, the complement: PMS2 is on the minus strand). VCF-style: chr7-5987178-C-A. GRCh37 (hg19) VCF-style: chr7-6026809-C-A.
Other names: c.1182G>T, p.Ser394= (NM_001322003.2, NM_001322004.2, NM_001322005.2 and 1 more transcripts); c.1431G>T, p.Ser477= (NM_001322006.2); c.1269G>T, p.Ser423= (NM_001322007.2, NM_001322008.2); c.1026G>T, p.Ser342= (NM_001322010.2); c.654G>T, p.Ser218= (NM_001322011.2, NM_001322012.2); c.1014G>T, p.Ser338= (NM_001322013.2); c.1587G>T, p.Ser529= (NM_001322014.2); c.1278G>T, p.Ser426= (NM_001322015.2).
Identifiers: ClinVar variation 492259 (VCV000492259.16), dbSNP rs786201709, ClinGen allele CA453746678.

ClinVar aggregate classification (germline): Benign/Likely benign. Review status: criteria provided, multiple submitters, no conflicts (2 of 4 stars). 5 submissions from 5 submitters: Benign (1); Likely benign (4). Last evaluated 2025-01-30.

Conditions:
Hereditary nonpolyposis colorectal neoplasms. Identifiers: MedGen C0009405, MeSH D003123.
Lynch syndrome 4 (LYNCH4). Also called: Colorectal cancer, hereditary nonpolyposis, type 4; Hereditary non-polyposis colorectal cancer, type 4. Identifiers: Orphanet 144, MedGen C1838333, MONDO:0013699, OMIM 614337. Disease mechanism: loss of function.
Hereditary cancer-predisposing syndrome. Also called: Hereditary neoplastic syndrome; Tumor predisposition; Hereditary Cancer Syndrome; Neoplastic Syndromes, Hereditary. Identifiers: Orphanet 140162, MedGen C0027672, MeSH D009386, MONDO:0015356.

Allele frequency attached by ClinVar (database versions not stated): gnomAD exomes below 0.00001.
gnomAD v4.1: 3 of 1,613,968 alleles (0.00019%); highest among the groups gnomAD compares: Non-Finnish European, 0.00025%; no homozygotes.

Submissions (5):

Myriad Genetics, Inc.
Classification: Benign for Lynch syndrome 4. Last evaluated: 2025-01-30. Review status: criteria provided, single submitter. Criteria: Myriad Autosomal Dominant, Autosomal Recessive and X-Linked Classification Criteria (2023). Collection method: clinical testing. Allele origin: unknown.
Comment: This variant is considered benign. This variant is a silent/synonymous amino acid change and it is not expected to impact splicing.

Ambry Genetics
Classification: Likely benign for Hereditary cancer-predisposing syndrome. Last evaluated: 2023-11-16. Review status: criteria provided, single submitter. Criteria: Ambry Variant Classification Scheme 2023. Collection method: clinical testing. Allele origin: germline.

Labcorp Genetics (formerly Invitae), Labcorp
Classification: Likely benign for Hereditary nonpolyposis colorectal neoplasms. Last evaluated: 2023-06-25. Review status: criteria provided, single submitter. Criteria: Invitae Variant Classification Sherloc (09022015). Collection method: clinical testing. Allele origin: germline.

GeneDx
Classification: Likely benign. Last evaluated: 2019-08-09. Review status: criteria provided, single submitter. Criteria: GeneDx Variant Classification Process June 2021. Collection method: clinical testing. Allele origin: germline. Affected: yes.

Color Diagnostics, LLC DBA Color Health
Classification: Likely benign for Hereditary cancer-predisposing syndrome. Last evaluated: 2017-01-25. Review status: criteria provided, single submitter. Criteria: ACMG Guidelines, 2015. Collection method: clinical testing. Allele origin: germline.